The following is an entry in ClinVar:

ClinVar aggregate classification (germline): Uncertain significance (1 of 4 stars; one submission).

Conditions:
Hyperlipoproteinemia, type I. Also called: Familial hyperlipo-proteinemia type 1; Hyperlipemia essential familial; HYPERLIPOPROTEINEMIA, TYPE IA; LPL DEFICIENCY; Lipase D deficiency; Familial Lipoprotein Lipase Deficiency. Identifiers: Orphanet 309015, Orphanet 444490, MedGen C0023817, MONDO:0009387, OMIM 238600. Disease mechanism: loss of function.

Submission:

MVZ Medizinische Genetik Mainz
Classification: Uncertain significance for Hyperlipoproteinemia, type I. Last evaluated: 2025-06-10. Review status: criteria provided, single submitter. Criteria: UK Practice Guidelines For Variant Classification V4 01 2020. Collection method: clinical testing. Allele origin: germline. Inheritance: Autosomal dominant inheritance. Affected: yes. Observed: 1 variant allele.
Comment: ACMG Criteria: PP3_MOD,PM2_SUP

NM_000237.3(LPL):c.899G>A (p.Gly300Glu)

Gene: LPL (lipoprotein lipase; plus strand). Cytogenetic location: 8p21.3.
Variant type: single nucleotide variant.
Coding change: c.899G>A on transcript NM_000237.3 (MANE Select); coding-DNA position 899, G replaced by A.
Protein change: p.Gly300Glu; replaces glycine 300 with glutamic acid.
Molecular consequence: missense variant.
Genome position (GRCh38, 1-based): chr8:19,955,964, G>A. VCF-style: chr8-19955964-G-A. GRCh37 (hg19) VCF-style: chr8-19813475-G-A.
Other names: short protein forms G300E.
Identifiers: ClinVar variation 3907685 (VCV003907685.1).